The following is an entry in ClinVar:

ClinVar aggregate classification (germline): Uncertain significance (1 of 4 stars; one submission).

Submission:

Labcorp Genetics (formerly Invitae), Labcorp
Classification: Uncertain significance. Last evaluated: 2023-02-20. Review status: criteria provided, single submitter. Criteria: Invitae Variant Classification Sherloc (09022015). Collection method: clinical testing. Allele origin: germline.
Comment: In summary, the available evidence is currently insufficient to determine the role of this variant in disease. Therefore, it has been classified as a Variant of Uncertain Significance. Algorithms developed to predict the effect of sequence changes on RNA splicing suggest that this variant may create or strengthen a splice site. Advanced modeling of protein sequence and biophysical properties (such as structural, functional, and spatial information, amino acid conservation, physicochemical variation, residue mobility, and thermodynamic stability) performed at Invitae indicates that this missense variant is not expected to disrupt FN1 protein function. This variant has not been reported in the literature in individuals affected with FN1-related conditions. This variant is not present in population databases (gnomAD no frequency). This sequence change replaces tyrosine, which is neutral and polar, with phenylalanine, which is neutral and non-polar, at codon 59 of the FN1 protein (p.Tyr59Phe).

NM_212482.4(FN1):c.176A>T (p.Tyr59Phe)

Gene: FN1 (fibronectin 1; minus strand). Cytogenetic location: 2q35.
Variant type: single nucleotide variant.
Coding change: c.176A>T on transcript NM_212482.4 (MANE Select); coding-DNA position 176, A replaced by T.
Protein change: p.Tyr59Phe; replaces tyrosine 59 with phenylalanine.
Molecular consequence: missense variant.
Genome position (GRCh38, 1-based): chr2:215,434,797, T>A on the plus strand (A>T on the coding strand, the complement: FN1 is on the minus strand). VCF-style: chr2-215434797-T-A. GRCh37 (hg19) VCF-style: chr2-216299520-T-A.
Other names: c.176A>T, p.Tyr59Phe (NM_001306129.2, NM_001306130.2, NM_001306131.2 and 14 more transcripts); short protein forms Y59F.
Identifiers: ClinVar variation 2839198 (VCV002839198.3), dbSNP rs2470591318, ClinGen allele CA350480288.